The following is an entry in ClinVar:

ClinVar aggregate classification (germline): Uncertain significance (1 of 4 stars; one submission).

Allele frequency attached by ClinVar (database versions not stated): gnomAD exomes below 0.00001.
gnomAD v4.1: 1 of 1,557,138 alleles (0.000064%); highest among the groups gnomAD compares: Non-Finnish European, 0.000087%; no homozygotes.

Submission:

Labcorp Genetics (formerly Invitae), Labcorp
Classification: Uncertain significance. Last evaluated: 2023-03-10. Review status: criteria provided, single submitter. Criteria: Invitae Variant Classification Sherloc (09022015). Collection method: clinical testing. Allele origin: germline.
Comment: Variants that disrupt the consensus splice site are a relatively common cause of aberrant splicing (PMID: 17576681, 9536098). Algorithms developed to predict the effect of sequence changes on RNA splicing suggest that this variant may disrupt the consensus splice site. This sequence change affects codon 759 of the COL18A1 mRNA. It is a 'silent' change, meaning that it does not change the encoded amino acid sequence of the COL18A1 protein. This variant also falls at the last nucleotide of exon 25, which is part of the consensus splice site for this exon. This variant is not present in population databases (gnomAD no frequency). This variant has not been reported in the literature in individuals affected with COL18A1-related conditions. In summary, the available evidence is currently insufficient to determine the role of this variant in disease. Therefore, it has been classified as a Variant of Uncertain Significance.

Literature cited by the submitters: PubMed 17576681; PubMed 9536098.

NM_001379500.1(COL18A1):c.2277G>A (p.Lys759=)

Gene: COL18A1 (collagen type XVIII alpha 1 chain; plus strand). Cytogenetic location: 21q22.3.
Variant type: single nucleotide variant.
Coding change: c.2277G>A on transcript NM_001379500.1 (MANE Select); coding-DNA position 2277, G replaced by A.
Protein change: p.Lys759=; no amino-acid change (lysine 759 retained).
Molecular consequence: synonymous variant.
Genome position (GRCh38, 1-based): chr21:45,493,225, G>A. VCF-style: chr21-45493225-G-A. GRCh37 (hg19) VCF-style: chr21-46913139-G-A.
Other names: c.2817G>A, p.Lys939= (NM_030582.4); c.3522G>A, p.Lys1174= (NM_130444.3).
Identifiers: ClinVar variation 2844833 (VCV002844833.3), dbSNP rs2517694079, ClinGen allele CA512686666.
Genomic context (GRCh38, chr21:45,493,225, plus strand): 5'-ACCTGCAGGACCCAAGGGCAACCTGGGCTCTAAGGGCGAACGAGGCTCCCCGGGACCCAA[G>A]GTAAGGGGCTCAGGTGCTGTCCCTCAACCCCCTTTGTGACCCAGGGGTGGCTCCAGCCTG-3'
Protein context (NP_001366429.1, residues 749-769): SKGERGSPGP[Lys759=]GEKGEPGSIF